The following is an entry in ClinVar:

NM_032242.4(PLXNA1):c.5595+9C>T

Gene: PLXNA1 (plexin A1; plus strand). Cytogenetic location: 3q21.3.
Variant type: single nucleotide variant.
Coding change: c.5595+9C>T on transcript NM_032242.4 (MANE Select); 9 bases into the intron after coding-DNA position 5595, C replaced by T.
Molecular consequence: intron variant.
Genome position (GRCh38, 1-based): chr3:127,032,845, C>T. VCF-style: chr3-127032845-C-T. GRCh37 (hg19) VCF-style: chr3-126751688-C-T.
Identifiers: ClinVar variation 3347004 (VCV003347004.1).

ClinVar aggregate classification (germline): Likely benign (0 of 4 stars; one submission).

Conditions:
PLXNA1-related disorder. Also called: PLXNA1-related condition.

gnomAD v4.1: 1 of 1,612,138 alleles (0.000062%); highest among the groups gnomAD compares: Non-Finnish European, 0.000085%; no homozygotes.

Submission:

PreventionGenetics, part of Exact Sciences
Classification: Likely benign for PLXNA1-related condition. Last evaluated: 2024-07-17. Review status: no assertion criteria provided. Collection method: clinical testing. Allele origin: germline.
Comment: This variant is classified as likely benign based on ACMG/AMP sequence variant interpretation guidelines (Richards et al. 2015 PMID: 25741868, with internal and published modifications).